The following is an entry in ClinVar:

NM_017739.4(POMGNT1):c.959G>T (p.Arg320Leu)

Genes: POMGNT1 (protein O-linked mannose N-acetylglucosaminyltransferase 1 (beta 1,2-); minus strand), TSPAN1 (tetraspanin 1; plus strand). Cytogenetic location: 1p34.1.
Variant type: single nucleotide variant.
Coding change: c.959G>T on transcript NM_017739.4 (MANE Select); coding-DNA position 959, G replaced by T.
Protein change: p.Arg320Leu; replaces arginine 320 with leucine.
Molecular consequence: missense variant.
Genome position (GRCh38, 1-based): chr1:46,193,631, C>A on the plus strand (G>T on the coding strand, the complement: POMGNT1 is on the minus strand). VCF-style: chr1-46193631-C-A. GRCh37 (hg19) VCF-style: chr1-46659303-C-A.
Other names: c.959G>T, p.Arg320Leu (NM_001243766.2, NM_001410783.1); c.893G>T, p.Arg298Leu (NM_001290129.3); c.530G>T, p.Arg177Leu (NM_001290130.2); short protein forms R320L, R177L, R298L.
Identifiers: ClinVar variation 297535 (VCV000297535.8), dbSNP rs368653589, ClinGen allele CA10610372.

ClinVar aggregate classification (germline): Uncertain significance. Review status: criteria provided, multiple submitters, no conflicts (2 of 4 stars). 4 submissions from 3 submitters: Uncertain significance (3). 1 of the submissions does not count toward it. Last evaluated 2022-10-13.

Conditions:
Congenital Muscular Dystrophy, alpha-dystroglycan related.
Muscular dystrophy-dystroglycanopathy (congenital with impaired intellectual development), type B, 3. Also called: Muscular dystrophy-dystroglycanopathy (congenital with intellectual disability), type B3; MUSCULAR DYSTROPHY, CONGENITAL, POMGNT1-RELATED. Identifiers: MedGen C3150412, MONDO:0013155, OMIM 613151.
Autosomal recessive limb-girdle muscular dystrophy type 2O. Also called: MUSCULAR DYSTROPHY-DYSTROGLYCANOPATHY, LIMB-GIRDLE, POMGNT1-RELATED; Limb-Girdle Muscular Dystrophy Type 3C; MUSCULAR DYSTROPHY-DYSTROGLYCANOPATHY (LIMB-GIRDLE), TYPE C, 3. Identifiers: Orphanet 206564, MedGen C3150417, MONDO:0013161, OMIM 613157.
Muscle eye brain disease (MEB). Also called: Santavuori congenital muscular dystrophy. Identifiers: Orphanet 588, Orphanet 899, MedGen C0457133, MONDO:0018939.

Allele frequency attached by ClinVar (database versions not stated): gnomAD 0.00001; ESP Exome Variant Server 0.00008; TOPMed 0.00002.
gnomAD v4.1: 2 of 1,614,078 alleles (0.00012%); highest among the groups gnomAD compares: Non-Finnish European, 0.00017%; no homozygotes.

Submissions (4):

Labcorp Genetics (formerly Invitae), Labcorp
Classification: Uncertain significance for Autosomal recessive limb-girdle muscular dystrophy type 2O; Muscular dystrophy-dystroglycanopathy (congenital with impaired intellectual development), type B, 3. Last evaluated: 2022-10-13. Review status: criteria provided, single submitter. Criteria: Invitae Variant Classification Sherloc (09022015). Collection method: clinical testing. Allele origin: germline.
Comment: This sequence change replaces arginine, which is basic and polar, with leucine, which is neutral and non-polar, at codon 320 of the POMGNT1 protein (p.Arg320Leu). This variant is not present in population databases (gnomAD no frequency). This variant has not been reported in the literature in individuals affected with POMGNT1-related conditions. ClinVar contains an entry for this variant (Variation ID: 297535). Advanced modeling of protein sequence and biophysical properties (such as structural, functional, and spatial information, amino acid conservation, physicochemical variation, residue mobility, and thermodynamic stability) has been performed at Invitae for this missense variant, however the output from this modeling did not meet the statistical confidence thresholds required to predict the impact of this variant on POMGNT1 protein function. Algorithms developed to predict the effect of sequence changes on RNA splicing suggest that this variant may create or strengthen a splice site. In summary, the available evidence is currently insufficient to determine the role of this variant in disease. Therefore, it has been classified as a Variant of Uncertain Significance.

Illumina Laboratory Services, Illumina
Classification: Uncertain significance for Autosomal recessive limb-girdle muscular dystrophy type 2O. Last evaluated: 2018-01-12. Review status: criteria provided, single submitter. Criteria: ICSL Variant Classification Criteria 13 December 2019. Collection method: clinical testing. Allele origin: germline.

Illumina Laboratory Services, Illumina
Classification: Uncertain significance for Congenital Muscular Dystrophy, alpha-dystroglycan related. Last evaluated: 2018-01-12. Review status: criteria provided, single submitter. Criteria: ICSL Variant Classification Criteria 13 December 2019. Collection method: clinical testing. Allele origin: germline.

Natera, Inc.
Classification: Uncertain significance for Muscle-eye-brain disease. Last evaluated: 2020-07-09. Review status: no assertion criteria provided. Collection method: clinical testing. Allele origin: germline. Not counted in ClinVar's aggregate classification.